The following is an entry in ClinVar:

ClinVar aggregate classification (germline): Likely benign. Review status: criteria provided, multiple submitters, no conflicts (2 of 4 stars). 4 submissions from 4 submitters: Likely benign (4). Last evaluated 2026-07-01.

Allele frequency attached by ClinVar (database versions not stated): ExAC 0.00002; gnomAD exomes 0.00004 and 0.00006; gnomAD 0.00014 and 0.00015; ESP Exome Variant Server 0.00015; TOPMed 0.00022.
gnomAD v4.1: 89 of 1,614,040 alleles (0.0055%); highest among the groups gnomAD compares: Middle Eastern, 0.066%; no homozygotes.

Submissions (4):

CeGaT Center for Human Genetics Tuebingen
Classification: Likely benign. Last evaluated: 2026-07-01. Review status: criteria provided, single submitter. Criteria: CeGaT Center For Human Genetics Tuebingen Variant Classification Criteria Version 2. Collection method: clinical testing. Allele origin: germline. Affected: yes. Observed: 1 variant allele.
Comment: VPS13D: BP4, BP7

Labcorp Genetics (formerly Invitae), Labcorp
Classification: Likely benign. Last evaluated: 2025-12-15. Review status: criteria provided, single submitter. Criteria: Invitae Variant Classification Sherloc (09022015). Collection method: clinical testing. Allele origin: germline.

Mayo Clinic Laboratories, Mayo Clinic
Classification: Likely benign. Last evaluated: 2024-12-30. Review status: criteria provided, single submitter. Criteria: ACMG Guidelines, 2015. Collection method: clinical testing. Allele origin: germline. Observed: 1 variant allele.
Comment: BP4, BP7

Breakthrough Genomics
Classification: Likely benign. Review status: criteria provided, single submitter. Criteria: ACMG Guidelines, 2015. Collection method: not provided. Allele origin: germline. Inheritance: Autosomal recessive inheritance. Affected: yes.

NM_015378.4(VPS13D):c.5175C>G (p.Leu1725=)

Gene: VPS13D (vacuolar protein sorting 13 homolog D; plus strand). Cytogenetic location: 1p36.22.
Variant type: single nucleotide variant.
Coding change: c.5175C>G on transcript NM_015378.4 (MANE Select); coding-DNA position 5175, C replaced by G.
Protein change: p.Leu1725=; no amino-acid change (leucine 1725 retained).
Molecular consequence: synonymous variant.
Genome position (GRCh38, 1-based): chr1:12,283,277, C>G. VCF-style: chr1-12283277-C-G. GRCh37 (hg19) VCF-style: chr1-12343334-C-G.
Other names: p.Leu1725=; c.5175C>G, p.Leu1725= (NM_018156.4).
Identifiers: ClinVar variation 757627 (VCV000757627.11), dbSNP rs146077489, ClinGen allele CA602267.